The following is an entry in ClinVar:

NM_001165963.4(SCN1A):c.3867del (p.Phe1289_Leu1290insTer)

Genes: SCN1A (sodium voltage-gated channel alpha subunit 1; minus strand), LOC102724058 (uncharacterized LOC102724058; plus strand). Cytogenetic location: 2q24.3.
Variant type: Deletion.
Coding change: c.3867del on transcript NM_001165963.4 (MANE Select); coding-DNA position 3867, one base deleted (C; older notation c.3867delC).
Protein change: p.Phe1289_Leu1290insTer.
Molecular consequence: frameshift variant. On other transcripts: non-coding transcript variant (1).
Genome position (GRCh38, 1-based): chr2:166,012,121, G deleted on the plus strand (C on the coding strand, the reverse complement: SCN1A is on the minus strand). VCF-style (leftmost placement, unchanged base first): chr2-166012120-AG-A. GRCh37 (hg19) VCF-style: chr2-166868630-AG-A.
Other names: c.3834del, p.Phe1278_Leu1279insTer (NM_001353949.2, NM_001353950.2, NM_001353951.2 and 2 more transcripts); c.3831del, p.Phe1277_Leu1278insTer (NM_001353954.2, NM_001353955.2); c.3783del, p.Phe1261_Leu1262insTer (NM_001353957.2, NM_001165964.3, NM_001353958.2); c.3867del, p.Phe1289_Leu1290insTer (NM_001202435.3, NM_001353948.2); c.3780del, p.Phe1260_Leu1261insTer (NM_001353960.2); c.1425del, p.Phe475_Leu476insTer (NM_001353961.2).
Identifiers: ClinVar variation 2034959 (VCV002034959.4), dbSNP rs2468512455, ClinGen allele CA2580064307.

ClinVar aggregate classification (germline): Pathogenic (1 of 4 stars; one submission).

Conditions:
Early-infantile DEE. Also called: Ohtahara syndrome; Early infantile epileptic encephalopathy with suppression bursts; Early infantile epileptic encephalopathy. Identifiers: Orphanet 1934, MedGen C0393706, MONDO:0800491.

Submission:

Labcorp Genetics (formerly Invitae), Labcorp
Classification: Pathogenic for Early-infantile DEE. Last evaluated: 2022-10-09. Review status: criteria provided, single submitter. Criteria: Invitae Variant Classification Sherloc (09022015). Collection method: clinical testing. Allele origin: germline.
Comment: This variant is not present in population databases (gnomAD no frequency). This sequence change creates a premature translational stop signal (p.Leu1290*) in the SCN1A gene. It is expected to result in an absent or disrupted protein product. Loss-of-function variants in SCN1A are known to be pathogenic (PMID: 17347258, 18930999). This premature translational stop signal has been observed in individual(s) with Dravet syndrome (PMID: 28202706). For these reasons, this variant has been classified as Pathogenic. Algorithms developed to predict the effect of sequence changes on RNA splicing suggest that this variant may create or strengthen a splice site.

Literature cited by the submitters: PubMed 17347258; PubMed 18930999; PubMed 28202706.